The following is an entry in ClinVar:

NM_001142800.2(EYS):c.7723+6G>A

Gene: EYS (eyes shut homolog; minus strand). Cytogenetic location: 6q12.
Variant type: single nucleotide variant.
Coding change: c.7723+6G>A on transcript NM_001142800.2 (MANE Select); 6 bases into the intron after coding-DNA position 7723, G replaced by A.
Molecular consequence: intron variant.
Genome position (GRCh38, 1-based): chr6:63,788,099, C>T on the plus strand (G>A on the coding strand, the complement: EYS is on the minus strand). VCF-style: chr6-63788099-C-T. GRCh37 (hg19) VCF-style: chr6-64497992-C-T.
Other names: c.7723+6G>A (NM_001292009.2).
Identifiers: ClinVar variation 840087 (VCV000840087.5), dbSNP rs773926989, ClinGen allele CA3876790.

ClinVar aggregate classification (germline): Uncertain significance. Review status: criteria provided, multiple submitters, no conflicts (2 of 4 stars). 3 submissions from 3 submitters: Uncertain significance (2). 1 of the submissions does not count toward it. Last evaluated 2025-02-24.

Conditions:
Retinitis pigmentosa 25 (RP25). Identifiers: Orphanet 791, MedGen C1864446, MONDO:0011272, OMIM 602772.

Allele frequency attached by ClinVar (database versions not stated): gnomAD exomes 0.00001; ExAC 0.00005; TOPMed 0.00015.
gnomAD v4.1: 26 of 1,529,026 alleles (0.0017%); highest among the groups gnomAD compares: African/African-American, 0.035%; no homozygotes.

Submissions (3):

Women's Health and Genetics/Laboratory Corporation of America, LabCorp
Classification: Uncertain significance. Last evaluated: 2025-02-24. Review status: criteria provided, single submitter. Criteria: LabCorp Variant Classification Summary - May 2015. Collection method: clinical testing. Allele origin: germline.

Labcorp Genetics (formerly Invitae), Labcorp
Classification: Uncertain significance. Last evaluated: 2022-09-19. Review status: criteria provided, single submitter. Criteria: Invitae Variant Classification Sherloc (09022015). Collection method: clinical testing. Allele origin: germline.
Comment: This sequence change falls in intron 39 of the EYS gene. It does not directly change the encoded amino acid sequence of the EYS protein. It affects a nucleotide within the consensus splice site. This variant is present in population databases (rs773926989, gnomAD 0.04%). This variant has not been reported in the literature in individuals affected with EYS-related conditions. ClinVar contains an entry for this variant (Variation ID: 840087). Variants that disrupt the consensus splice site are a relatively common cause of aberrant splicing (PMID: 17576681, 9536098). Algorithms developed to predict the effect of sequence changes on RNA splicing suggest that this variant is not likely to affect RNA splicing. In summary, the available evidence is currently insufficient to determine the role of this variant in disease. Therefore, it has been classified as a Variant of Uncertain Significance.

Natera, Inc.
Classification: Uncertain significance for Retinitis pigmentosa type 25. Last evaluated: 2021-01-14. Review status: no assertion criteria provided. Collection method: clinical testing. Allele origin: germline. Not counted in ClinVar's aggregate classification.

Literature cited by the submitters: PubMed 17576681 (cited by Labcorp Genetics (formerly Invitae), Labcorp); PubMed 9536098 (cited by Labcorp Genetics (formerly Invitae), Labcorp).